The following is an entry in ClinVar:

ClinVar aggregate classification (germline): Uncertain significance. Review status: criteria provided, multiple submitters, no conflicts (2 of 4 stars). 2 submissions from 2 submitters: Uncertain significance (2). Last evaluated 2025-03-21.

Conditions:
Primary ciliary dyskinesia. Also called: Ciliary dyskinesia. Identifiers: Orphanet 244, MedGen C0008780, MONDO:0016575, HP:0012265.

Allele frequency attached by ClinVar (database versions not stated): ExAC 0.00002; gnomAD exomes 0.00002; TOPMed 0.00002; gnomAD 0.00003; 1000 Genomes Project 0.00020; 1000 Genomes Project 30x 0.00031.
gnomAD v4.1: 32 of 1,613,794 alleles (0.002%); highest among the groups gnomAD compares: Middle Eastern, 0.05%; no homozygotes.

Submissions (2):

Ambry Genetics
Classification: Uncertain significance. Last evaluated: 2025-03-21. Review status: criteria provided, single submitter. Criteria: Ambry Variant Classification Scheme 2023. Collection method: clinical testing. Allele origin: germline.

Labcorp Genetics (formerly Invitae), Labcorp
Classification: Uncertain significance for Primary ciliary dyskinesia. Last evaluated: 2024-10-26. Review status: criteria provided, single submitter. Criteria: Invitae Variant Classification Sherloc (09022015). Collection method: clinical testing. Allele origin: germline.
Comment: This sequence change replaces proline, which is neutral and non-polar, with serine, which is neutral and polar, at codon 228 of the DNAH8 protein (p.Pro228Ser). This variant is present in population databases (rs199848059, gnomAD 0.02%). This variant has not been reported in the literature in individuals affected with DNAH8-related conditions. ClinVar contains an entry for this variant (Variation ID: 1979900). Experimental studies and prediction algorithms are not available or were not evaluated, and the functional significance of this variant is currently unknown. In summary, the available evidence is currently insufficient to determine the role of this variant in disease. Therefore, it has been classified as a Variant of Uncertain Significance.

NM_001206927.2(DNAH8):c.682C>T (p.Pro228Ser)

Gene: DNAH8 (dynein axonemal heavy chain 8; plus strand). Cytogenetic location: 6p21.2.
Variant type: single nucleotide variant.
Coding change: c.682C>T on transcript NM_001206927.2 (MANE Select); coding-DNA position 682, C replaced by T.
Protein change: p.Pro228Ser; replaces proline 228 with serine.
Molecular consequence: missense variant.
Genome position (GRCh38, 1-based): chr6:38,734,545, C>T. VCF-style: chr6-38734545-C-T. GRCh37 (hg19) VCF-style: chr6-38702321-C-T.
Other names: c.31C>T, p.Pro11Ser (NM_001371.4); c.682C>T (NM_001206927.1); short protein forms P11S, P228S.
Identifiers: ClinVar variation 1979900 (VCV001979900.4), dbSNP rs199848059, ClinGen allele CA3788013.